The following is an entry in ClinVar:

NM_021729.6(VPS11):c.711C>T (p.Ala237=)

Gene: VPS11 (VPS11 core subunit of CORVET and HOPS complexes; plus strand). Cytogenetic location: 11q23.3.
Variant type: single nucleotide variant.
Coding change: c.711C>T on transcript NM_021729.6 (MANE Select); coding-DNA position 711, C replaced by T.
Protein change: p.Ala237=; no amino-acid change (alanine 237 retained).
Molecular consequence: synonymous variant. On other transcripts: non-coding transcript variant (5).
Genome position (GRCh38, 1-based): chr11:119,071,670, C>T. VCF-style: chr11-119071670-C-T. GRCh37 (hg19) VCF-style: chr11-118942380-C-T.
Other names: c.681C>T, p.Ala227= (NM_001290185.2); c.723C>T, p.Ala241= (NM_001378218.1); c.711C>T, p.Ala237= (NM_001378219.1, NM_001378220.1); c.693C>T, p.Ala231= (NM_001378221.1).
Identifiers: ClinVar variation 1655014 (VCV001655014.9), dbSNP rs782105354, ClinGen allele CA6313260.

ClinVar aggregate classification (germline): Likely benign. Review status: criteria provided, multiple submitters, no conflicts (2 of 4 stars). 2 submissions from 2 submitters: Likely benign (2). Last evaluated 2026-09-01.

Allele frequency attached by ClinVar (database versions not stated): gnomAD exomes below 0.00001; TOPMed below 0.00001; ExAC 0.00001.

Submissions (2):

CeGaT Center for Human Genetics Tuebingen
Classification: Likely benign. Last evaluated: 2026-09-01. Review status: criteria provided, single submitter. Criteria: CeGaT Center For Human Genetics Tuebingen Variant Classification Criteria Version 2. Collection method: clinical testing. Allele origin: germline. Affected: yes. Observed: 1 variant allele.
Comment: VPS11: PM2:Supporting, BP4, BP7

Labcorp Genetics (formerly Invitae), Labcorp
Classification: Likely benign. Last evaluated: 2022-06-05. Review status: criteria provided, single submitter. Criteria: Invitae Variant Classification Sherloc (09022015). Collection method: clinical testing. Allele origin: germline.